The following is an entry in ClinVar:

ClinVar aggregate classification (germline): Conflicting classifications of pathogenicity. Review status: criteria provided, conflicting classifications (1 of 4 stars). 8 submissions from 8 submitters: Likely pathogenic (1); Uncertain significance (6). 1 of the submissions does not count toward it. Last evaluated 2026-01-16.

Conditions:
Greenberg dysplasia (GRBGD). Also called: CHONDRODYSTROPHY, HYDROPIC AND PRENATALLY LETHAL TYPE; HEM SKELETAL DYSPLASIA; MOTH-EATEN SKELETAL DYSPLASIA. Identifiers: Orphanet 1426, MedGen C2931048, MONDO:0008974, OMIM 215140.
Regressive spondylometaphyseal dysplasia. Also called: PELGER-HUET ANOMALY WITH MILD SKELETAL ANOMALIES. Identifiers: Orphanet 448267, MedGen C4747922, MONDO:0018663, OMIM 618019.
LBR-related disorder. Also called: LBR-related disorders; LBR-related condition.
Reynolds syndrome. Also called: PRIMARY BILIARY CIRRHOSIS, SCLERODERMA, RAYNAUD DISEASE, AND TELANGIECTASIA. Identifiers: Orphanet 779, MedGen C0748397, MONDO:0013276, OMIM 613471.

Allele frequency attached by ClinVar (database versions not stated): ESP Exome Variant Server 0.00015; TOPMed 0.00018; gnomAD 0.00020 and 0.00021; ExAC 0.00022; gnomAD exomes 0.00025.
gnomAD v4.1: 394 of 1,613,772 alleles (0.024%); highest among the groups gnomAD compares: Middle Eastern, 0.066%; 2 homozygotes.

Submissions (8):

Labcorp Genetics (formerly Invitae), Labcorp
Classification: Uncertain significance. Last evaluated: 2026-01-16. Review status: criteria provided, single submitter. Criteria: Invitae Variant Classification Sherloc (09022015). Collection method: clinical testing. Allele origin: germline.
Comment: This sequence change replaces arginine, which is basic and polar, with cysteine, which is neutral and slightly polar, at codon 372 of the LBR protein (p.Arg372Cys). This variant is present in population databases (rs200180113, gnomAD 0.04%). This missense change has been observed in individual(s) with Reynolds syndrome (PMID: 20522425). ClinVar contains an entry for this variant (Variation ID: 9533). Invitae Evidence Modeling of protein sequence and biophysical properties (such as structural, functional, and spatial information, amino acid conservation, physicochemical variation, residue mobility, and thermodynamic stability) has been performed for this missense variant. However, the output from this modeling did not meet the statistical confidence thresholds required to predict the impact of this variant on LBR protein function. Experimental studies are conflicting or provide insufficient evidence to determine the effect of this variant on LBR function (PMID: 20522425). In summary, the available evidence is currently insufficient to determine the role of this variant in disease. Therefore, it has been classified as a Variant of Uncertain Significance.

Women's Health and Genetics/Laboratory Corporation of America, LabCorp
Classification: Uncertain significance. Last evaluated: 2025-12-12. Review status: criteria provided, single submitter. Criteria: LabCorp Variant Classification Summary - May 2015. Collection method: clinical testing. Allele origin: germline.
Comment: Variant summary: LBR c.1114C>T (p.Arg372Cys) results in a non-conservative amino acid change in the encoded protein sequence. Algorithms developed to predict the effect of missense changes on protein structure and function all suggest that this variant is likely to be disruptive. The variant allele was found at a frequency of 0.00025 in 251478 control chromosomes. This frequency is not significantly higher than estimated for disease-causing variants in LBR, allowing no conclusion about variant significance. c.1114C>T has been observed in individuals affected with Reynolds syndrome, inherited infantile cholestatic disorders or hypopharyngeal cancer (Gaudy-Marqueste_2010, Herbst_2015, Yao_2023). These report(s) do not provide unequivocal conclusions about association of the variant with LBR-Related Disorders. At least one publication reports experimental evidence evaluating an impact on protein function, however, does not allow convincing conclusions about the variant effect. The following publications have been ascertained in the context of this evaluation (PMID: 20522425, 25771912, 33502066, 33726816, 36596842). ClinVar contains an entry for this variant (Variation ID: 9533). Based on the evidence outlined above, the variant was classified as uncertain significance.

Blueprint Genetics
Classification: Uncertain significance. Last evaluated: 2024-11-19. Review status: criteria provided, single submitter. Criteria: ACMG Guidelines, 2015. Collection method: clinical testing. Allele origin: germline.

PreventionGenetics, part of Exact Sciences
Classification: Uncertain significance for LBR-related condition. Last evaluated: 2024-10-27. Review status: criteria provided, single submitter. Criteria: ACMG Guidelines, 2015. Collection method: clinical testing. Allele origin: germline.
Comment: The LBR c.1114C>T variant is predicted to result in the amino acid substitution p.Arg372Cys. This variant was reported in heterozygous state an individual with Reynolds syndrome (Gaudy-Marqueste et al. 2010. PubMed ID: 20522425). This variant is reported in 0.040% of alleles in individuals of European (Finnish) descent in gnomAD. Although we suspect that this variant may be pathogenic, at this time, the clinical significance of this variant is uncertain due to the absence of conclusive functional and genetic evidence.

Department of Pathology and Laboratory Medicine, Sinai Health System
Classification: Uncertain significance for Regressive spondylometaphyseal dysplasia; Greenberg dysplasia. Last evaluated: 2023-01-23. Review status: criteria provided, single submitter. Criteria: ACMG Guidelines, 2015. Collection method: research. Allele origin: germline.

Genomic Research Center, Shahid Beheshti University of Medical Sciences
Classification: Likely pathogenic for Reynolds syndrome. Last evaluated: 2018-03-05. Review status: criteria provided, single submitter. Criteria: ACMG Guidelines, 2015. Collection method: clinical testing. Allele origin: inherited. Affected: no. Observed: 1 variant allele.

Illumina Laboratory Services, Illumina
Classification: Uncertain significance for Greenberg dysplasia. Last evaluated: 2017-04-28. Review status: criteria provided, single submitter. Criteria: ICSL Variant Classification Criteria 13 December 2019. Collection method: clinical testing. Allele origin: germline.
Comment: This variant was observed as part of a predisposition screen in an ostensibly healthy population. A literature search was performed for the gene, cDNA change, and amino acid change (where applicable). Publications were found based on this search. However, the evidence from the literature, in combination with allele frequency data from public databases where available, was not sufficient to rule this variant in or out of causing disease. Therefore, this variant is classified as a variant of unknown significance.

OMIM
Classification: Pathogenic for REYNOLDS SYNDROME (1 patient). Last evaluated: 2010-06-01. Review status: no assertion criteria provided. Collection method: literature only. Allele origin: germline. Not counted in ClinVar's aggregate classification.

Literature cited by the submitters: PubMed 20522425 (cited by 4 submitters); PubMed 33726816 (cited by Women's Health and Genetics/Laboratory Corporation of America, LabCorp); PubMed 33502066 (cited by Women's Health and Genetics/Laboratory Corporation of America, LabCorp); PubMed 25771912 (cited by Women's Health and Genetics/Laboratory Corporation of America, LabCorp); PubMed 36596842 (cited by Women's Health and Genetics/Laboratory Corporation of America, LabCorp).

NM_002296.4(LBR):c.1114C>T (p.Arg372Cys)

Gene: LBR (lamin B receptor; minus strand). Cytogenetic location: 1q42.12.
Variant type: single nucleotide variant.
Coding change: c.1114C>T on transcript NM_002296.4 (MANE Select); coding-DNA position 1114, C replaced by T.
Protein change: p.Arg372Cys; replaces arginine 372 with cysteine.
Molecular consequence: missense variant.
Genome position (GRCh38, 1-based): chr1:225,411,411, G>A on the plus strand (C>T on the coding strand, the complement: LBR is on the minus strand). VCF-style: chr1-225411411-G-A. GRCh37 (hg19) VCF-style: chr1-225599113-G-A.
Other names: c.1114C>T, p.Arg372Cys (NM_194442.3); short protein forms R372C.
Identifiers: ClinVar variation 9533 (VCV000009533.19), dbSNP rs200180113, ClinGen allele CA120516.